The following is an entry in ClinVar:

NM_005337.5(NCKAP1L):c.231A>C (p.Val77=)

Gene: NCKAP1L (NCK associated protein 1 like; plus strand). Cytogenetic location: 12q13.2.
Variant type: single nucleotide variant.
Coding change: c.231A>C on transcript NM_005337.5 (MANE Select); coding-DNA position 231, A replaced by C.
Protein change: p.Val77=; no amino-acid change (valine 77 retained).
Molecular consequence: synonymous variant.
Genome position (GRCh38, 1-based): chr12:54,500,550, A>C. VCF-style: chr12-54500550-A-C. GRCh37 (hg19) VCF-style: chr12-54894334-A-C.
Other names: c.81A>C, p.Val27= (NM_001184976.2).
Identifiers: ClinVar variation 3666226 (VCV003666226.10).

ClinVar aggregate classification (germline): Likely benign. Review status: criteria provided, multiple submitters, no conflicts (2 of 4 stars). 2 submissions from 2 submitters: Likely benign (2). Last evaluated 2025-08-01.

gnomAD v4.1: 31 of 1,612,444 alleles (0.0019%); highest among the groups gnomAD compares: African/African-American, 0.041%; no homozygotes.

Submissions (2):

CeGaT Center for Human Genetics Tuebingen
Classification: Likely benign. Last evaluated: 2025-08-01. Review status: criteria provided, single submitter. Criteria: CeGaT Center For Human Genetics Tuebingen Variant Classification Criteria Version 2. Collection method: clinical testing. Allele origin: germline. Affected: yes. Observed: 1 variant allele.
Comment: NCKAP1L: BP4, BP7

Labcorp Genetics (formerly Invitae), Labcorp
Classification: Likely benign. Last evaluated: 2025-04-17. Review status: criteria provided, single submitter. Criteria: Invitae Variant Classification Sherloc (09022015). Collection method: clinical testing. Allele origin: germline.